The following is an entry in ClinVar:

NM_000875.5(IGF1R):c.3173A>G (p.Asn1058Ser)

Gene: IGF1R (insulin like growth factor 1 receptor; plus strand). Cytogenetic location: 15q26.3.
Variant type: single nucleotide variant.
Coding change: c.3173A>G on transcript NM_000875.5 (MANE Select); coding-DNA position 3173, A replaced by G.
Protein change: p.Asn1058Ser; replaces asparagine 1058 with serine.
Molecular consequence: missense variant.
Genome position (GRCh38, 1-based): chr15:98,935,040, A>G. VCF-style: chr15-98935040-A-G. GRCh37 (hg19) VCF-style: chr15-99478269-A-G.
Other names: c.3170A>G, p.Asn1057Ser (NM_001291858.2); short protein forms N1057S, N1058S.
Identifiers: ClinVar variation 4801415 (VCV004801415.1).
Genomic context (GRCh38, chr15:98,935,040, plus strand): 5'-CCGCAAGCATGCGTGAGAGGATTGAGTTTCTCAACGAAGCTTCTGTGATGAAGGAGTTCA[A>G]TTGTCACCATGTGGTAAGAGAAAGTTCCTGAAAAGCCAAAATGCAGCACAGGGAGAGGGT-3'
Protein context (NP_000866.1, residues 1048-1068): LNEASVMKEF[Asn1058Ser]CHHVVRLLGV

ClinVar aggregate classification (germline): Uncertain significance (1 of 4 stars; one submission).

gnomAD v4.1: 38 of 1,613,252 alleles (0.0024%); highest among the groups gnomAD compares: African/African-American, 0.025%; no homozygotes.

Submission:

Labcorp Genetics (formerly Invitae), Labcorp
Classification: Uncertain significance. Last evaluated: 2025-08-22. Review status: criteria provided, single submitter. Criteria: Invitae Variant Classification Sherloc (09022015). Collection method: clinical testing. Allele origin: germline.
Comment: This sequence change replaces asparagine, which is neutral and polar, with serine, which is neutral and polar, at codon 1058 of the IGF1R protein (p.Asn1058Ser). The frequency data for this variant in the population databases is considered unreliable, as metrics indicate poor data quality at this position in the gnomAD database. This variant has not been reported in the literature in individuals affected with IGF1R-related conditions. Invitae Evidence Modeling of protein sequence and biophysical properties (such as structural, functional, and spatial information, amino acid conservation, physicochemical variation, residue mobility, and thermodynamic stability) indicates that this missense variant is not expected to disrupt IGF1R protein function with a negative predictive value of 80%. In summary, the available evidence is currently insufficient to determine the role of this variant in disease. Therefore, it has been classified as a Variant of Uncertain Significance.